The following is an entry in ClinVar:

ClinVar aggregate classification (germline): Uncertain significance (1 of 4 stars; one submission).

Conditions:
Mucopolysaccharidosis type 7 (MPS7). Also called: SLY SYNDROME; BETA-GLUCURONIDASE DEFICIENCY; GUSB DEFICIENCY; MPS VII. Identifiers: Orphanet 584, MedGen C0085132, MONDO:0009662, OMIM 253220.

Submission:

Labcorp Genetics (formerly Invitae), Labcorp
Classification: Uncertain significance for Mucopolysaccharidosis type 7. Last evaluated: 2020-11-06. Review status: criteria provided, single submitter. Criteria: Invitae Variant Classification Sherloc (09022015). Collection method: clinical testing. Allele origin: germline.
Comment: This sequence change replaces serine with arginine at codon 125 of the GUSB protein (p.Ser125Arg). The serine residue is highly conserved and there is a moderate physicochemical difference between serine and arginine. This variant is not present in population databases (ExAC no frequency). In summary, the available evidence is currently insufficient to determine the role of this variant in disease. Therefore, it has been classified as a Variant of Uncertain Significance. Algorithms developed to predict the effect of missense changes on protein structure and function are either unavailable or do not agree on the potential impact of this missense change (SIFT: "Deleterious"; PolyPhen-2: "Probably Damaging"; Align-GVGD: "Class C0"). This variant has not been reported in the literature in individuals with GUSB-related conditions.

NM_000181.4(GUSB):c.373A>C (p.Ser125Arg)

Gene: GUSB (glucuronidase beta; minus strand). Cytogenetic location: 7q11.21.
Variant type: single nucleotide variant.
Coding change: c.373A>C on transcript NM_000181.4 (MANE Select); coding-DNA position 373, A replaced by C.
Protein change: p.Ser125Arg; replaces serine 125 with arginine.
Molecular consequence: missense variant. On other transcripts: 5 prime UTR variant (1), non-coding transcript variant (1).
Genome position (GRCh38, 1-based): chr7:65,980,247, T>G on the plus strand (A>C on the coding strand, the complement: GUSB is on the minus strand). VCF-style: chr7-65980247-T-G. GRCh37 (hg19) VCF-style: chr7-65445234-T-G.
Other names: c.373A>C, p.Ser125Arg (NM_001284290.2); c.-13A>C (NM_001293104.2); c.44A>C, p.Gln15Pro (NM_001293105.2); short protein forms S125R, Q15P.
Identifiers: ClinVar variation 1525962 (VCV001525962.8), dbSNP rs2116040590, ClinGen allele CA367651434.